The following is an entry in ClinVar:

ClinVar aggregate classification (germline): Pathogenic (0 of 4 stars; one submission).

Conditions:
Dyskeratosis congenita, autosomal dominant 2. Identifiers: MedGen C3151443, MONDO:0013521, OMIM 613989.

Submission:

Molecular Genetics, Sadra Medical Genetics Laboratory
Classification: Pathogenic for Dyskeratosis congenita, autosomal dominant 2. Last evaluated: 2021-09-18. Review status: no assertion criteria provided. Collection method: clinical testing. Allele origin: germline. Inheritance: Autosomal recessive inheritance. Affected: yes. Observed: 2 variant alleles, 2 homozygotes.
Comment: The p.Pro908Leu variant in TERT has been reported in an Iranian family with Autosomal Recessive Dyskeratosis congenita, It was segregated with the disease in 2 affected cases. In summary, the p.Pro908Leu variant meets our criteria to be classified as pathogenic based upon segregation studies and absence from controls.

NM_198253.3(TERT):c.2723C>T (p.Pro908Leu)

Gene: TERT (telomerase reverse transcriptase; minus strand). Cytogenetic location: 5p15.33.
Variant type: single nucleotide variant.
Coding change: c.2723C>T on transcript NM_198253.3 (MANE Select); coding-DNA position 2723, C replaced by T.
Protein change: p.Pro908Leu; replaces proline 908 with leucine.
Molecular consequence: missense variant. On other transcripts: intron variant (1).
Genome position (GRCh38, 1-based): chr5:1,264,524, G>A on the plus strand (C>T on the coding strand, the complement: TERT is on the minus strand). VCF-style: chr5-1264524-G-A. GRCh37 (hg19) VCF-style: chr5-1264639-G-A.
Other names: c.2654+1940C>T (NM_001193376.3); short protein forms P908L.
Identifiers: ClinVar variation 1679958 (VCV001679958.2), dbSNP rs2126595178, ClinGen allele CA359072002.